The following is an entry in ClinVar:

NM_004260.4(RECQL4):c.2413G>T (p.Ala805Ser)

Gene: RECQL4 (RecQ like helicase 4; minus strand). Cytogenetic location: 8q24.3.
Variant type: single nucleotide variant.
Coding change: c.2413G>T on transcript NM_004260.4 (MANE Select); coding-DNA position 2413, G replaced by T.
Protein change: p.Ala805Ser; replaces alanine 805 with serine.
Molecular consequence: missense variant. On other transcripts: non-coding transcript variant (3), intron variant (3).
Genome position (GRCh38, 1-based): chr8:144,513,268, C>A on the plus strand (G>T on the coding strand, the complement: RECQL4 is on the minus strand). VCF-style: chr8-144513268-C-A. GRCh37 (hg19) VCF-style: chr8-145738651-C-A.
Other names: c.2413G>T, p.Ala805Ser (NM_001413019.1, NM_001413036.1); c.2317G>T, p.Ala773Ser (NM_001413020.1); c.1342G>T, p.Ala448Ser (NM_001413021.1, NM_001413022.1, NM_001413023.1 and 5 more transcripts); c.2284G>T, p.Ala762Ser (NM_001413025.1); c.1276G>T, p.Ala426Ser (NM_001413027.1, NM_001413030.1, NM_001413032.1 and 1 more transcripts); c.2062G>T, p.Ala688Ser (NM_001413029.1); c.1144G>T, p.Ala382Ser (NM_001413031.1); c.2281G>T, p.Ala761Ser (NM_001413033.1); and 7 more; short protein forms A448S, A688S, A795S, A316S, A426S, A438S, A805S, A382S.
Identifiers: ClinVar variation 3944248 (VCV003944248.1).

ClinVar aggregate classification (germline): Uncertain significance (1 of 4 stars; one submission).

Conditions:
Inborn genetic diseases. Identifiers: MedGen C0950123, MeSH D030342.

Submission:

Ambry Genetics
Classification: Uncertain significance for Inborn genetic diseases. Last evaluated: 2025-03-24. Review status: criteria provided, single submitter. Criteria: Ambry Variant Classification Scheme 2023. Collection method: clinical testing. Allele origin: germline.
Comment: The p.A805S variant (also known as c.2413G>T), located in coding exon 14 of the RECQL4 gene, results from a G to T substitution at nucleotide position 2413. The alanine at codon 805 is replaced by serine, an amino acid with similar properties. This amino acid position is conserved. Based on the available evidence, the clinical significance of this variant remains unclear.